The following is an entry in ClinVar:

NM_030665.4(RAI1):c.4384C>G (p.Pro1462Ala)

Gene: RAI1 (retinoic acid induced 1; plus strand). Cytogenetic location: 17p11.2.
Variant type: single nucleotide variant.
Coding change: c.4384C>G on transcript NM_030665.4 (MANE Select); coding-DNA position 4384, C replaced by G.
Protein change: p.Pro1462Ala; replaces proline 1462 with alanine.
Molecular consequence: missense variant.
Genome position (GRCh38, 1-based): chr17:17,797,332, C>G. VCF-style: chr17-17797332-C-G. GRCh37 (hg19) VCF-style: chr17-17700646-C-G.
Other names: c.4384C>G (NM_030665.3); short protein forms P1462A.
Identifiers: ClinVar variation 1994176 (VCV001994176.6), dbSNP rs2032297501, ClinGen allele CA398556496.

ClinVar aggregate classification (germline): Benign. Review status: criteria provided, single submitter (1 of 4 stars). 2 submissions from 2 submitters: Benign (1). 1 of the submissions does not count toward it. Last evaluated 2025-12-23.

Conditions:
RAI1-related disorder. Also called: RAI1-related condition.

Allele frequency attached by ClinVar (database versions not stated): gnomAD exomes below 0.00001; gnomAD 0.00001.
gnomAD v4.1: 2 of 1,612,228 alleles (0.00012%); highest among the groups gnomAD compares: Non-Finnish European, 0.00017%; no homozygotes.

Submissions (2):

Labcorp Genetics (formerly Invitae), Labcorp
Classification: Benign. Last evaluated: 2025-12-23. Review status: criteria provided, single submitter. Criteria: Invitae Variant Classification Sherloc (09022015). Collection method: clinical testing. Allele origin: germline.

PreventionGenetics, part of Exact Sciences
Classification: Uncertain significance for RAI1-related condition. Last evaluated: 2024-09-26. Review status: no assertion criteria provided. Collection method: clinical testing. Allele origin: germline. Not counted in ClinVar's aggregate classification.
Comment: The RAI1 c.4384C>G variant is predicted to result in the amino acid substitution p.Pro1462Ala. To our knowledge, this variant has not been reported in the literature or in a large population database, indicating this variant is rare. At this time, the clinical significance of this variant is uncertain due to the absence of conclusive functional and genetic evidence.